The following is an entry in ClinVar:

ClinVar aggregate classification (germline): Uncertain significance (1 of 4 stars; one submission).

Submission:

Women's Health and Genetics/Laboratory Corporation of America, LabCorp
Classification: Uncertain significance. Last evaluated: 2025-09-29. Review status: criteria provided, single submitter. Criteria: LabCorp Variant Classification Summary - May 2015. Collection method: clinical testing. Allele origin: germline.
Comment: Variant summary: The variant involves the duplication of exons 1-16 in the CBL gene. A presumed nomenclature of c.(?_-80)_(*8369_?)dup has been designated for the purposes of this classification. This duplication includes the entire coding sequence of the gene. As exact breakpoints are unknown, it may extend beyond the annotated region of the gene, to include other flanking genes. The variant was absent in 21694 control chromosomes. The available data on variant occurrences in the general population are insufficient to allow any conclusion about variant significance. To our knowledge, no occurrence of c.(?_-80)_(*8369_?)dup in individuals affected with CBL-related conditions and no experimental evidence demonstrating its impact on protein function have been reported. ClinVar contains an entry for this variant (Variation ID: 1015400). Based on the evidence outlined above, the variant was classified as uncertain significance.

NC_000011.9:g.(?_119077048)_(119178860_?)dup

Gene: CBL (Cbl proto-oncogene; plus strand). Cytogenetic location: 11q23.3.
Variant type: Duplication.
Identifiers: ClinVar variation 4535631 (VCV004535631.1).